The following is an entry in ClinVar:

ClinVar aggregate classification (germline): Pathogenic. Review status: criteria provided, single submitter (1 of 4 stars). 2 submissions from 2 submitters: Pathogenic (1). 1 of the submissions does not count toward it. Last evaluated 2020-08-17.

Conditions:
Kaya-Barakat-Masson syndrome. Also called: YIF1B-Related Neurodevelopmental Disorder. Identifiers: Orphanet 684240, MedGen C5436856, MONDO:0030878, OMIM 619125.
Inborn genetic diseases. Identifiers: MedGen C0950123, MeSH D030342.

Submissions (2):

Ambry Genetics
Classification: Pathogenic for Inborn genetic diseases. Last evaluated: 2020-08-17. Review status: criteria provided, single submitter. Criteria: Ambry Variant Classification Scheme 2023. Collection method: clinical testing. Allele origin: germline.
Comment: The alteration results in a premature stop codon: _x000D_ _x000D_ The c.186dupT (p.A63Cfs*13) alteration, located in coding exon 2 of the YIF1B gene, results from a duplication of 1 nucleotide at position 186, causing a translational frameshift with a predicted alternate stop codon after 13 amino acids. This alteration is expected to result in loss of function by premature protein truncation or nonsense-mediated mRNA decay. The alteration is not observed in population databases:_x000D_ _x000D_ Based on data from the Genome Aggregation Database (gnomAD), the YIF1B c.186dupT alteration was not observed, with coverage at this position. This alteration has been observed in affected individuals: _x000D_ _x000D_ The c.186dupT (p.A63Cfs*13) alteration has been observed homozygous in multiple patients from 3 families with common clinical features including global developmental delay, microcephaly, hypotonia, short stature, feeding difficulties, dystonia, dyskinesia and irritability (AlMuhaizea, 2020). Based on the available evidence, this alteration is classified as pathogenic.

OMIM
Classification: Pathogenic for KAYA-BARAKAT-MASSON SYNDROME. Last evaluated: 2020-12-18. Review status: no assertion criteria provided. Collection method: literature only. Allele origin: germline. Not counted in ClinVar's aggregate classification.

Literature cited by the submitters: PubMed 32006098 (cited by Ambry Genetics and OMIM); PubMed 33103737 (cited by OMIM).

NM_001039672.3(YIF1B):c.186dup (p.Ala63fs)

Gene: YIF1B (Yip1 interacting factor homolog B, membrane trafficking protein; minus strand). Cytogenetic location: 19q13.2.
Variant type: Duplication.
Coding change: c.186dup on transcript NM_001039672.3 (MANE Select); coding-DNA position 186, one base duplicated (T; older notation c.186dupT).
Protein change: p.Ala63fs; shifts the reading frame from alanine 63.
Molecular consequence: frameshift variant.
Genome position (GRCh38, 1-based): chr19:38,309,516, A duplicated on the plus strand (T on the coding strand, the reverse complement: YIF1B is on the minus strand). VCF-style (leftmost placement, unchanged base first): chr19-38309515-C-CA. GRCh37 (hg19) VCF-style: chr19-38800155-C-CA.
Other names: c.186dup (NM_001039672.2, NM_001039872.2); c.141dup, p.Ala48fs (NM_001039671.3); c.177dup, p.Ala60fs (NM_001039673.3, NM_001145463.2); c.135dup, p.Ala46fs (NM_001145461.2); c.93dup, p.Ala32fs (NM_001145462.2); short protein forms A32fs, A46fs, A48fs, A60fs, A63fs.
Identifiers: ClinVar variation 985308 (VCV000985308.9), dbSNP rs1969221767, ClinGen allele CA1139666429.